The following is an entry in ClinVar:

ClinVar aggregate classification (germline): Benign (1 of 4 stars; one submission).

Conditions:
Auriculocondylar syndrome 2 (ARCND2A). Also called: AURICULOCONDYLAR SYNDROME 2A. Identifiers: Orphanet 137888, MedGen C3553404, MONDO:0013845, OMIM 614669.

Allele frequency attached by ClinVar (database versions not stated): gnomAD 0.01008; 1000 Genomes Project 0.01018; TOPMed 0.01082; 1000 Genomes Project 30x 0.01124.

Submission:

Illumina Laboratory Services, Illumina
Classification: Benign for Auriculocondylar syndrome 2. Last evaluated: 2018-01-13. Review status: criteria provided, single submitter. Criteria: ICSL Variant Classification Criteria 13 December 2019. Collection method: clinical testing. Allele origin: germline.
Comment: This variant was observed in the ICSL laboratory as part of a predisposition screen in an ostensibly healthy population. It had not been previously curated by ICSL or reported in the Human Gene Mutation Database (HGMD: prior to June 1st, 2018), and was therefore a candidate for classification through an automated scoring system. Utilizing variant allele frequency, disease prevalence and penetrance estimates, and inheritance mode, an automated score was calculated to assess if this variant is too frequent to cause the disease. Based on the score and internal cut-off values, a variant classified as benign is not then subjected to further curation. The score for this variant resulted in a classification of benign for this disease.

NM_001377142.1(PLCB4):c.*1731A>T

Gene: PLCB4 (phospholipase C beta 4; plus strand). Cytogenetic location: 20p12.2.
Variant type: single nucleotide variant.
Coding change: c.*1731A>T on transcript NM_001377142.1 (MANE Select); 1731 bases downstream of the stop codon, A replaced by T.
Molecular consequence: 3 prime UTR variant.
Genome position (GRCh38, 1-based): chr20:9,480,740, A>T. VCF-style: chr20-9480740-A-T. GRCh37 (hg19) VCF-style: chr20-9461387-A-T.
Other names: c.*1731A>T (NM_000933.4, NM_001377134.2, NM_001377135.1 and 1 more transcripts); c.*1751A>T (NM_001172646.2, NM_001377136.1, NM_182797.3).
Identifiers: ClinVar variation 339617 (VCV000339617.5), dbSNP rs147197006, ClinGen allele CA10644501.